The following is an entry in ClinVar:

ClinVar aggregate classification (germline): Conflicting classifications of pathogenicity. Review status: criteria provided, conflicting classifications (1 of 4 stars). 6 submissions from 6 submitters: Uncertain significance (4); Likely benign (1). 1 of the submissions does not count toward it. Last evaluated 2025-11-11.

Conditions:
Cardiovascular phenotype. Identifiers: MedGen CN230736.
Hereditary cancer-predisposing syndrome. Also called: Tumor predisposition; Hereditary Cancer Syndrome; Hereditary neoplastic syndrome; Neoplastic Syndromes, Hereditary. Identifiers: Orphanet 140162, MedGen C0027672, MeSH D009386, MONDO:0015356.
Neurofibromatosis, type 1 (NF1). Also called: VON RECKLINGHAUSEN DISEASE; NEUROFIBROMATOSIS, TYPE I, SOMATIC; Peripheral type neurofibromatosis; Neurofibromatosis, type I. Identifiers: Orphanet 636, MedGen C0027831, MONDO:0018975, OMIM 162200. Disease mechanism: loss of function.
Neurofibromatosis, familial spinal (FSNF). Identifiers: Orphanet 636, MedGen C1834235, MONDO:0008078, OMIM 162210. Disease mechanism: loss of function.
Juvenile myelomonocytic leukemia (JMML). Also called: LEUKEMIA, JUVENILE MYELOMONOCYTIC, SOMATIC. Identifiers: Orphanet 86834, MedGen C0349639, MONDO:0011908, OMIM 607785, HP:0012209.
Neurofibromatosis-Noonan syndrome (NFNS). Also called: NEUROFIBROMATOSIS WITH NOONAN PHENOTYPE. Identifiers: Orphanet 638, MedGen C2931482, MONDO:0011035, OMIM 601321. Disease mechanism: loss of function.
Café-au-lait macules with pulmonary stenosis (WTSN). Also called: PULMONIC STENOSIS WITH CAFE-AU-LAIT SPOTS. Identifiers: MedGen C0553586, MONDO:0008672, OMIM 193520.

Allele frequency attached by ClinVar (database versions not stated): gnomAD exomes below 0.00001.
gnomAD v4.1: 5 of 1,614,106 alleles (0.00031%); highest among the groups gnomAD compares: South Asian, 0.0022%; no homozygotes.

Submissions (6):

Labcorp Genetics (formerly Invitae), Labcorp
Classification: Likely benign for Neurofibromatosis, type 1. Last evaluated: 2025-11-11. Review status: criteria provided, single submitter. Criteria: Invitae Variant Classification Sherloc (09022015). Collection method: clinical testing. Allele origin: germline.

Fulgent Genetics
Classification: Uncertain significance for Neurofibromatosis, type 1; Neurofibromatosis, familial spinal; Café-au-lait macules with pulmonary stenosis; Neurofibromatosis-Noonan syndrome; Juvenile myelomonocytic leukemia. Last evaluated: 2024-01-03. Review status: criteria provided, single submitter. Criteria: ACMG Guidelines, 2015. Collection method: clinical testing. Allele origin: germline.

GeneDx
Classification: Uncertain significance. Last evaluated: 2023-02-01. Review status: criteria provided, single submitter. Criteria: GeneDx Variant Classification Process June 2021. Collection method: clinical testing. Allele origin: germline. Affected: yes.
Comment: Not observed at significant frequency in large population cohorts (gnomAD); In silico analysis supports that this missense variant has a deleterious effect on protein structure/function; Has not been previously published as pathogenic or benign to our knowledge; In silico analysis suggests this variant may impact gene splicing. In the absence of RNA/functional studies, the actual effect of this sequence change is unknown.; This variant is associated with the following publications: (PMID: 26076063)

Genome-Nilou Lab
Classification: Uncertain significance for Neurofibromatosis, type 1. Last evaluated: 2022-03-15. Review status: criteria provided, single submitter. Criteria: ACMG Guidelines, 2015. Collection method: clinical testing. Allele origin: germline. Affected: no.

Ambry Genetics
Classification: Uncertain significance for Cardiovascular phenotype; Hereditary cancer-predisposing syndrome. Last evaluated: 2021-07-07. Review status: criteria provided, single submitter. Criteria: Ambry Variant Classification Scheme 2023. Collection method: clinical testing. Allele origin: germline.

Gharavi Laboratory, Columbia University
Classification: Uncertain significance. Last evaluated: 2018-09-16. Review status: no assertion criteria provided. Criteria: ACMG Guidelines, 2015. Collection method: research. Allele origin: germline. Affected: no. Not counted in ClinVar's aggregate classification.

NM_001042492.3(NF1):c.6535C>T (p.Arg2179Cys)

Gene: NF1 (neurofibromin 1; plus strand). Cytogenetic location: 17q11.2.
Variant type: single nucleotide variant.
Coding change: c.6535C>T on transcript NM_001042492.3 (MANE Select); coding-DNA position 6535, C replaced by T.
Protein change: p.Arg2179Cys; replaces arginine 2179 with cysteine.
Molecular consequence: missense variant.
Genome position (GRCh38, 1-based): chr17:31,337,475, C>T. VCF-style: chr17-31337475-C-T. GRCh37 (hg19) VCF-style: chr17-29664493-C-T.
Other names: c.6472C>T, p.Arg2158Cys (NM_000267.4); short protein forms R2158C, R2179C.
Identifiers: ClinVar variation 237586 (VCV000237586.55), dbSNP rs878853908, ClinGen allele CA10583518.